The following is an entry in ClinVar:

NM_001136193.2(FASTKD2):c.1149C>G (p.Ile383Met)

Gene: FASTKD2 (FAST kinase domains 2; plus strand). Cytogenetic location: 2q33.3.
Variant type: single nucleotide variant.
Coding change: c.1149C>G on transcript NM_001136193.2 (MANE Select); coding-DNA position 1149, C replaced by G.
Protein change: p.Ile383Met; replaces isoleucine 383 with methionine.
Molecular consequence: missense variant.
Genome position (GRCh38, 1-based): chr2:206,772,215, C>G. VCF-style: chr2-206772215-C-G. GRCh37 (hg19) VCF-style: chr2-207636939-C-G.
Other names: c.1149C>G, p.Ile383Met (NM_001136194.2, NM_014929.4); short protein forms I383M.
Identifiers: ClinVar variation 4023041 (VCV004023041.2).

ClinVar aggregate classification (germline): Uncertain significance. Review status: criteria provided, multiple submitters, no conflicts (2 of 4 stars). 2 submissions from 2 submitters: Uncertain significance (2). Last evaluated 2025-05-20.

Conditions:
Inborn genetic diseases. Identifiers: MedGen C0950123, MeSH D030342.

Submissions (2):

Ambry Genetics
Classification: Uncertain significance for Inborn genetic diseases. Last evaluated: 2025-05-20. Review status: criteria provided, single submitter. Criteria: Ambry Variant Classification Scheme 2023. Collection method: clinical testing. Allele origin: germline.

GeneDx
Classification: Uncertain significance. Last evaluated: 2025-03-23. Review status: criteria provided, single submitter. Criteria: GeneDx Variant Classification Process June 2021. Collection method: clinical testing. Allele origin: germline. Affected: yes.
Comment: In silico analysis indicates that this missense variant does not alter protein structure/function; Has not been previously published as pathogenic or benign to our knowledge